The following is an entry in ClinVar:

ClinVar aggregate classification (germline): Uncertain significance (1 of 4 stars; one submission).

Conditions:
Hereditary sensory neuropathy-deafness-dementia syndrome. Also called: NEUROPATHY, HEREDITARY SENSORY, WITH HEARING LOSS AND DEMENTIA; Hereditary sensory neuropathy type IE; HSN IE; Hereditary Sensory and Autonomic Neuropathy Type 1E (HSAN1E). Identifiers: Orphanet 456318, MedGen C3279885, MONDO:0013584, OMIM 614116.

Allele frequency attached by ClinVar (database versions not stated): gnomAD exomes below 0.00001.
gnomAD v4.1: 2 of 1,614,172 alleles (0.00012%); highest among the groups gnomAD compares: Non-Finnish European, 0.00017%; no homozygotes.

Submission:

Labcorp Genetics (formerly Invitae), Labcorp
Classification: Uncertain significance for Hereditary sensory neuropathy-deafness-dementia syndrome. Last evaluated: 2019-03-22. Review status: criteria provided, single submitter. Criteria: Invitae Variant Classification Sherloc (09022015). Collection method: clinical testing. Allele origin: germline.
Comment: In summary, the available evidence is currently insufficient to determine the role of this variant in disease. Therefore, it has been classified as a Variant of Uncertain Significance. Algorithms developed to predict the effect of missense changes on protein structure and function are either unavailable or do not agree on the potential impact of this missense change (SIFT: "Deleterious"; PolyPhen-2: "Probably Damaging"; Align-GVGD: "Class C0"). This variant has not been reported in the literature in individuals with DNMT1-related conditions. This variant is not present in population databases (ExAC no frequency). This sequence change replaces arginine with glutamine at codon 697 of the DNMT1 protein (p.Arg697Gln). The arginine residue is highly conserved and there is a small physicochemical difference between arginine and glutamine.

NM_001130823.3(DNMT1):c.2090G>A (p.Arg697Gln)

Gene: DNMT1 (DNA methyltransferase 1; minus strand). Cytogenetic location: 19p13.2.
Variant type: single nucleotide variant.
Coding change: c.2090G>A on transcript NM_001130823.3 (MANE Select); coding-DNA position 2090, G replaced by A.
Protein change: p.Arg697Gln; replaces arginine 697 with glutamine.
Molecular consequence: missense variant.
Genome position (GRCh38, 1-based): chr19:10,151,777, C>T on the plus strand (G>A on the coding strand, the complement: DNMT1 is on the minus strand). VCF-style: chr19-10151777-C-T. GRCh37 (hg19) VCF-style: chr19-10262453-C-T.
Other names: c.2042G>A, p.Arg681Gln (NM_001318730.2, NM_001379.4); c.1727G>A, p.Arg576Gln (NM_001318731.2); short protein forms R576Q, R697Q, R681Q.
Identifiers: ClinVar variation 844826 (VCV000844826.9), dbSNP rs2038348204, ClinGen allele CA403931679.